The following is an entry in ClinVar:

ClinVar aggregate classification (germline): Likely pathogenic (1 of 4 stars; one submission).

Conditions:
OBSL1-related disorder. Also called: OBSL1-related condition.

Submission:

PreventionGenetics, part of Exact Sciences
Classification: Likely pathogenic for OBSL1-related condition. Last evaluated: 2023-04-26. Review status: criteria provided, single submitter. Criteria: ACMG Guidelines, 2015. Collection method: clinical testing. Allele origin: germline.
Comment: The OBSL1 c.399delG variant is predicted to result in a frameshift and premature protein termination (p.Pro134Leufs*14). To our knowledge, this variant has not been reported in the literature or in a large population database, indicating this variant is rare. Frameshift variants in OBSL1 are expected to be pathogenic. This variant is interpreted as likely pathogenic.

NM_015311.3(OBSL1):c.399del (p.Pro134fs)

Gene: OBSL1 (obscurin like cytoskeletal adaptor 1; minus strand). Cytogenetic location: 2q35.
Variant type: Deletion.
Coding change: c.399del on transcript NM_015311.3 (MANE Select); coding-DNA position 399, one base deleted (G; older notation c.399delG).
Protein change: p.Pro134fs; shifts the reading frame from proline 134.
Molecular consequence: frameshift variant.
Genome position (GRCh38, 1-based): chr2:219,570,834, C deleted on the plus strand (G on the coding strand, the reverse complement: OBSL1 is on the minus strand); the first of 4 consecutive C bases (chr2:219,570,834-219,570,837); deleting any one gives the same sequence. VCF-style (leftmost placement, unchanged base first): chr2-219570833-GC-G. GRCh37 (hg19) VCF-style: chr2-220435555-GC-G.
Other names: c.399del, p.Pro134fs (NM_001173408.2, NM_001173431.2); short protein forms P134fs.
Identifiers: ClinVar variation 2633291 (VCV002633291.1), dbSNP rs2469101147, ClinGen allele CA2663297611.